The following is an entry in ClinVar:

NM_005219.5(DIAPH1):c.783G>A (p.Lys261=)

Gene: DIAPH1 (diaphanous related formin 1; minus strand). Cytogenetic location: 5q31.3.
Variant type: single nucleotide variant.
Coding change: c.783G>A on transcript NM_005219.5 (MANE Select); coding-DNA position 783, G replaced by A.
Protein change: p.Lys261=; no amino-acid change (lysine 261 retained).
Molecular consequence: synonymous variant.
Genome position (GRCh38, 1-based): chr5:141,580,785, C>T on the plus strand (G>A on the coding strand, the complement: DIAPH1 is on the minus strand). VCF-style: chr5-141580785-C-T. GRCh37 (hg19) VCF-style: chr5-140960352-C-T.
Other names: c.756G>A, p.Lys252= (NM_001079812.3); c.783G>A, p.Lys261= (NM_001314007.2).
Identifiers: ClinVar variation 163075 (VCV000163075.7), dbSNP rs727502962, ClinGen allele CA175667.
Genomic context (GRCh38, chr5:141,580,785, plus strand): 5'-AATTATTCCAGTCACATACATGTCCTCTGGCTGCGGTAGAATACAAAGAGCAGAAAGCAG[C>T]TTAGCTGCATCAATCATCATGTTGGGAACAGCAGGATCCATGGCTCTGACCAGCAGTAGG-3'
Protein context (NP_005210.3, residues 251-271): AVPNMMIDAA[Lys261=]LLSALCILPQ

ClinVar aggregate classification (germline): Likely benign. Review status: criteria provided, multiple submitters, no conflicts (2 of 4 stars). 2 submissions from 2 submitters: Likely benign (2). Last evaluated 2025-08-02.

Conditions:
Autosomal dominant nonsyndromic hearing loss 1. Also called: DEAFNESS, AUTOSOMAL DOMINANT 1, WITH OR WITHOUT THROMBOCYTOPENIA; KONIGSMARK SYNDROME. Identifiers: Orphanet 90635, MedGen C1852282, MONDO:0007424, OMIM 124900.
Progressive microcephaly-seizures-cortical blindness-developmental delay syndrome. Also called: Seizures, cortical blindness, and microcephaly syndrome. Identifiers: Orphanet 477814, MedGen C5567650, MONDO:0014714, OMIM 616632.

Allele frequency attached by ClinVar (database versions not stated): TOPMed below 0.00001; ExAC 0.00002; gnomAD exomes 0.00002 and below 0.00001.
gnomAD v4.1: 5 of 1,614,196 alleles (0.00031%); highest among the groups gnomAD compares: East Asian, 0.0067%; no homozygotes.

Submissions (2):

Labcorp Genetics (formerly Invitae), Labcorp
Classification: Likely benign for Progressive microcephaly-seizures-cortical blindness-developmental delay syndrome; Autosomal dominant nonsyndromic hearing loss 1. Last evaluated: 2025-08-02. Review status: criteria provided, single submitter. Criteria: Invitae Variant Classification Sherloc (09022015). Collection method: clinical testing. Allele origin: germline.

Laboratory for Molecular Medicine, Mass General Brigham Personalized Medicine
Classification: Likely benign. Last evaluated: 2014-03-06. Review status: criteria provided, single submitter. Criteria: LMM Criteria. Collection method: clinical testing. Allele origin: germline. Observed: 1 variant allele.
Comment: Lys261Lys in exon 8 of DIAPH1: This variant is not expected to have clinical sig nificance because it does not alter an amino acid residue and is not located wit hin the splice consensus sequence.